The following is an entry in ClinVar:

NM_002691.4(POLD1):c.3304C>G (p.Pro1102Ala)

Gene: POLD1 (DNA polymerase delta 1, catalytic subunit; plus strand). Cytogenetic location: 19q13.33.
Variant type: single nucleotide variant.
Coding change: c.3304C>G on transcript NM_002691.4 (MANE Select); coding-DNA position 3304, C replaced by G.
Protein change: p.Pro1102Ala; replaces proline 1102 with alanine.
Molecular consequence: missense variant. On other transcripts: non-coding transcript variant (1).
Genome position (GRCh38, 1-based): chr19:50,417,927, C>G. VCF-style: chr19-50417927-C-G. GRCh37 (hg19) VCF-style: chr19-50921184-C-G.
Other names: c.3304C>G, p.Pro1102Ala (NM_001256849.1); c.3382C>G, p.Pro1128Ala (NM_001308632.1); c.3304C>G (NM_002691.2); short protein forms P1102A, P1128A.
Identifiers: ClinVar variation 1018647 (VCV001018647.7), dbSNP rs757442072, ClinGen allele CA406987874.

ClinVar aggregate classification (germline): Uncertain significance. Review status: criteria provided, multiple submitters, no conflicts (2 of 4 stars). 2 submissions from 2 submitters: Uncertain significance (2). Last evaluated 2024-01-09.

Conditions:
Hereditary cancer-predisposing syndrome. Also called: Tumor predisposition; Hereditary Cancer Syndrome; Hereditary neoplastic syndrome; Neoplastic Syndromes, Hereditary. Identifiers: Orphanet 140162, MedGen C0027672, MeSH D009386, MONDO:0015356.
POLD1-related polyposis and colorectal cancer syndrome (CRCS10). Also called: Colorectal cancer 10; COLORECTAL CANCER, SUSCEPTIBILITY TO, ON CHROMOSOME 19q; Colorectal cancer, susceptibility to, 10. Identifiers: Orphanet 220460, MedGen C2675481, MONDO:0012953, OMIM 612591.

Allele frequency attached by ClinVar (database versions not stated): TOPMed below 0.00001.

Submissions (2):

Labcorp Genetics (formerly Invitae), Labcorp
Classification: Uncertain significance for POLD1-related polyposis and colorectal cancer syndrome. Last evaluated: 2024-01-09. Review status: criteria provided, single submitter. Criteria: Invitae Variant Classification Sherloc (09022015). Collection method: clinical testing. Allele origin: germline.
Comment: This sequence change replaces proline, which is neutral and non-polar, with alanine, which is neutral and non-polar, at codon 1102 of the POLD1 protein (p.Pro1102Ala). This variant is not present in population databases (gnomAD no frequency). This variant has not been reported in the literature in individuals affected with POLD1-related conditions. ClinVar contains an entry for this variant (Variation ID: 1018647). An algorithm developed to predict the effect of missense changes on protein structure and function (PolyPhen-2) suggests that this variant is likely to be tolerated. In summary, the available evidence is currently insufficient to determine the role of this variant in disease. Therefore, it has been classified as a Variant of Uncertain Significance.

Ambry Genetics
Classification: Uncertain significance for Hereditary cancer-predisposing syndrome. Last evaluated: 2023-12-21. Review status: criteria provided, single submitter. Criteria: Ambry Variant Classification Scheme 2023. Collection method: clinical testing. Allele origin: germline.
Comment: The p.P1102A variant (also known as c.3304C>G), located in coding exon 26 of the POLD1 gene, results from a C to G substitution at nucleotide position 3304. The proline at codon 1102 is replaced by alanine, an amino acid with highly similar properties. This amino acid position is conserved. In addition, this alteration is predicted to be tolerated by in silico analysis. Since supporting evidence is limited at this time, the clinical significance of this alteration remains unclear.